The following is an entry in ClinVar:

ClinVar aggregate classification (germline): Likely benign (1 of 4 stars; one submission).

Allele frequency attached by ClinVar (database versions not stated): ESP Exome Variant Server 0.00147.
gnomAD v4.1: 1,156 of 1,461,926 alleles (0.079%); highest among the groups gnomAD compares: East Asian, 0.39%; 7 homozygotes.

Submission:

CeGaT Center for Human Genetics Tuebingen
Classification: Likely benign. Last evaluated: 2022-04-01. Review status: criteria provided, single submitter. Criteria: CeGaT Center For Human Genetics Tuebingen Variant Classification Criteria Version 2. Collection method: clinical testing. Allele origin: germline. Affected: yes. Observed: 1 variant allele.
Comment: PRB3: BP4, BP7

NM_001394862.1(PRB3):c.792A>G (p.Pro264=)

Gene: PRB3 (proline rich protein BstNI subfamily 3; minus strand). Cytogenetic location: 12p13.2.
Variant type: single nucleotide variant.
Coding change: c.792A>G on transcript NM_001394862.1 (MANE Select); coding-DNA position 792, A replaced by G.
Protein change: p.Pro264=; no amino-acid change (proline 264 retained).
Molecular consequence: synonymous variant.
Genome position (GRCh38, 1-based): chr12:11,267,457, T>C on the plus strand (A>G on the coding strand, the complement: PRB3 is on the minus strand). VCF-style: chr12-11267457-T-C. GRCh37 (hg19) VCF-style: chr12-11420391-T-C.
Other names: c.666A>G, p.Pro222= (NM_006249.5).
Identifiers: ClinVar variation 2642708 (VCV002642708.24), dbSNP rs369202988, ClinGen allele CA6452046.
Genomic context (GRCh38, chr12:11,267,457, plus strand): 5'-ATGAGGTGGGGGACCTTGAGGTTTGTTGCCTCCTTGTGAAGGTGGTCCTTCTGGCTTTCC[T>C]GGACGAGGTGGGGGACCTTGGGACTGGTTTCCTCCTTGTGGGGGTGGTCCTTCTGGCTTT-3'
Protein context (NP_001381791.1, residues 254-274): GNQSQGPPPR[Pro264=]GKPEGPPSQG